The following is an entry in ClinVar:

NM_005612.5(REST):c.2971G>A (p.Ala991Thr)

Gene: REST (RE1 silencing transcription factor; plus strand). Cytogenetic location: 4q12.
Variant type: single nucleotide variant.
Coding change: c.2971G>A on transcript NM_005612.5 (MANE Select); coding-DNA position 2971, G replaced by A.
Protein change: p.Ala991Thr; replaces alanine 991 with threonine.
Molecular consequence: missense variant.
Genome position (GRCh38, 1-based): chr4:56,931,829, G>A. VCF-style: chr4-56931829-G-A. GRCh37 (hg19) VCF-style: chr4-57797995-G-A.
Other names: c.2971G>A, p.Ala991Thr (NM_001193508.2, NM_001363453.3); short protein forms A991T.
Identifiers: ClinVar variation 3677713 (VCV003677713.2).

ClinVar aggregate classification (germline): Uncertain significance (1 of 4 stars; one submission).

gnomAD v4.1: 1 of 1,614,196 alleles (0.000062%); highest among the groups gnomAD compares: Non-Finnish European, 0.000085%; no homozygotes.

Submission:

Labcorp Genetics (formerly Invitae), Labcorp
Classification: Uncertain significance. Last evaluated: 2024-04-18. Review status: criteria provided, single submitter. Criteria: Invitae Variant Classification Sherloc (09022015). Collection method: clinical testing. Allele origin: germline.
Comment: This sequence change replaces alanine, which is neutral and non-polar, with threonine, which is neutral and polar, at codon 991 of the REST protein (p.Ala991Thr). This variant is not present in population databases (gnomAD no frequency). This variant has not been reported in the literature in individuals affected with REST-related conditions. Algorithms developed to predict the effect of missense changes on protein structure and function output the following: SIFT: "Not Available"; PolyPhen-2: "Benign"; Align-GVGD: "Not Available". The threonine amino acid residue is found in multiple mammalian species, which suggests that this missense change does not adversely affect protein function. In summary, the available evidence is currently insufficient to determine the role of this variant in disease. Therefore, it has been classified as a Variant of Uncertain Significance.